The following is an entry in ClinVar:

ClinVar aggregate classification (germline): Pathogenic (1 of 4 stars; one submission).

Submission:

Labcorp Genetics (formerly Invitae), Labcorp
Classification: Pathogenic. Last evaluated: 2025-07-07. Review status: criteria provided, single submitter. Criteria: Invitae Variant Classification Sherloc (09022015). Collection method: clinical testing. Allele origin: germline.
Comment: This sequence change affects a donor splice site in intron 5 of the COL2A1 gene. It is expected to disrupt RNA splicing. Variants that disrupt the donor or acceptor splice site typically lead to a loss of protein function (PMID: 16199547), and loss-of-function variants in COL2A1 are known to be pathogenic (PMID: 20179744). This variant is not present in population databases (gnomAD no frequency). Disruption of this splice site has been observed in individual(s) with clinical features of Stickler syndrome (internal data). ClinVar contains an entry for this variant (Variation ID: 2778511). Algorithms developed to predict the effect of sequence changes on RNA splicing suggest that this variant may disrupt the consensus splice site. For these reasons, this variant has been classified as Pathogenic.

Literature cited by the submitters: PubMed 16199547; PubMed 20179744.

NM_001844.5(COL2A1):c.375+2T>A

Gene: COL2A1 (collagen type II alpha 1 chain; minus strand). Cytogenetic location: 12q13.11.
Variant type: single nucleotide variant.
Coding change: c.375+2T>A on transcript NM_001844.5 (MANE Select); the canonical splice donor site of the intron after coding-DNA position 375, T replaced by A.
Molecular consequence: splice donor variant.
Genome position (GRCh38, 1-based): chr12:47,998,030, A>T on the plus strand (T>A on the coding strand, the complement: COL2A1 is on the minus strand). VCF-style: chr12-47998030-A-T. GRCh37 (hg19) VCF-style: chr12-48391813-A-T.
Other names: c.168+2T>A (NM_033150.3).
Identifiers: ClinVar variation 2778511 (VCV002778511.3), dbSNP rs2540182079, ClinGen allele CA384525095.